The following is an entry in ClinVar:

ClinVar aggregate classification (germline): Uncertain significance (1 of 4 stars; one submission).

Submission:

Labcorp Genetics (formerly Invitae), Labcorp
Classification: Uncertain significance. Last evaluated: 2022-06-13. Review status: criteria provided, single submitter. Criteria: Invitae Variant Classification Sherloc (09022015). Collection method: clinical testing. Allele origin: germline.
Comment: In summary, the available evidence is currently insufficient to determine the role of this variant in disease. Therefore, it has been classified as a Variant of Uncertain Significance. Algorithms developed to predict the effect of sequence changes on RNA splicing suggest that this variant may create or strengthen a splice site. Algorithms developed to predict the effect of missense changes on protein structure and function (SIFT, PolyPhen-2, Align-GVGD) all suggest that this variant is likely to be tolerated. This variant has not been reported in the literature in individuals affected with EMC1-related conditions. This variant is not present in population databases (gnomAD no frequency). This sequence change replaces leucine, which is neutral and non-polar, with phenylalanine, which is neutral and non-polar, at codon 627 of the EMC1 protein (p.Leu627Phe).

NM_015047.3(EMC1):c.1881G>T (p.Leu627Phe)

Genes: EMC1 (ER membrane protein complex subunit 1; minus strand), EMC1-AS1 (EMC1 antisense RNA 1; plus strand). Cytogenetic location: 1p36.13.
Variant type: single nucleotide variant.
Coding change: c.1881G>T on transcript NM_015047.3 (MANE Select); coding-DNA position 1881, G replaced by T.
Protein change: p.Leu627Phe; replaces leucine 627 with phenylalanine.
Molecular consequence: missense variant.
Genome position (GRCh38, 1-based): chr1:19,231,324, C>A on the plus strand (G>T on the coding strand, the complement: EMC1 is on the minus strand). VCF-style: chr1-19231324-C-A. GRCh37 (hg19) VCF-style: chr1-19557818-C-A.
Other names: c.1878G>T, p.Leu626Phe (NM_001271427.2, NM_001271428.2); c.1815G>T, p.Leu605Phe (NM_001271429.2); c.1890G>T, p.Leu630Phe (NM_001375820.1); c.1887G>T, p.Leu629Phe (NM_001375821.1); short protein forms L627F, L626F, L629F, L605F, L630F.
Identifiers: ClinVar variation 2103692 (VCV002103692.4), dbSNP rs1394604547, ClinGen allele CA338759395.